The following is an entry in ClinVar:

ClinVar aggregate classification (germline): Conflicting classifications of pathogenicity. Review status: criteria provided, conflicting classifications (1 of 4 stars). 2 submissions from 2 submitters: Likely pathogenic (1); Uncertain significance (1). Last evaluated 2025-01-20.

Conditions:
Congenital multicore myopathy with external ophthalmoplegia (CMYO1B). Also called: MULTICORE MYOPATHY; Minicore myopathy with external ophthalmoplegia; Congenital myopathy 1B, autosomal recessive; Minicore myopathy; MULTIMINICORE DISEASE WITH EXTERNAL OPHTHALMOPLEGIA. Identifiers: Orphanet 598, Orphanet 98905, MedGen C1850674, MONDO:0009712, OMIM 255320, HP:0003789.
Malignant hyperthermia, susceptibility to, 1 (MHS1). Also called: RYR1-Related Malignant Hyperthermia Susceptibility; Anesthesia related hyperthermia; Malignant hyperpyrexia; Fulminating hyperpyrexia; Pharmacogenic myopathy; Malignant hyperthermia suceptibility 1. Identifiers: Orphanet 423, MedGen C2930980, MONDO:0007783, OMIM 145600.

Submissions (2):

3billion
Classification: Likely pathogenic for Congenital multicore myopathy with external ophthalmoplegia. Last evaluated: 2025-01-20. Review status: criteria provided, single submitter. Criteria: ACMG Guidelines, 2015. Collection method: clinical testing. Allele origin: germline. Affected: yes.
Comment: The variant is not observed in the gnomAD v4.1.0 dataset. Predicted Consequence/Location: Missense variant In silico tool predictions suggest damaging effect of the variant on gene or gene product [REVEL: 0.65 (>=0.6, sensitivity 0.68 and specificity 0.92); 3Cnet: 0.94 (>=0.6, sensitivity 0.72 and precision 0.9)]. The same nucleotide change resulting in the same amino acid change has been previously reported to be associated with RYR1-related disorder (PMID: 26841830 /3billion dataset). The variant has been reported to be in trans with a pathogenic variant as either compound heterozygous or homozygous in at least one similarly affected unrelated individual (PMID: 26841830). The variant has been reported to co-segregate with the disease in at least one similarly affected relative/individual in the same family or similarly affected unrelated family (PMID: 26841830). Therefore, this variant is classified as Likely pathogenic according to the recommendation of ACMG/AMP guideline.

All of Us Research Program, National Institutes of Health
Classification: Uncertain significance for Malignant hyperthermia, susceptibility to, 1. Last evaluated: 2023-04-03. Review status: criteria provided, single submitter. Criteria: ACMG Guidelines, 2015. Collection method: clinical testing. Allele origin: germline. Inheritance: Autosomal dominant inheritance. Observed: 1 variant allele, 1 heterozygote.
Comment: This missense variant replaces methionine with isoleucine at codon 4881 of the RYR1 protein. Computational prediction is inconclusive regarding the impact of this variant on protein structure and function (internally defined REVEL score threshold 0.5 < inconclusive < 0.7, PMID: 27666373). To our knowledge, functional studies have not been reported for this variant. This variant has not been reported in individuals affected with malignant hyperthermia susceptibility in the literature. This variant has not been identified in the general population by the Genome Aggregation Database (gnomAD). The available evidence is insufficient to determine the role of this variant in disease conclusively. Therefore, this variant is classified as a Variant of Uncertain Significance.

This study involves interpretation of variants in research participants for the purpose of population health screening. Participant phenotype was not available at the time of variant classification. Additional details can be found in publication PMID: 35346344, PMCID: PMC8962531

Literature cited by the submitters: PubMed 26841830 (cited by 3billion).

NM_000540.3(RYR1):c.14643G>A (p.Met4881Ile)

Gene: RYR1 (ryanodine receptor 1; plus strand). Cytogenetic location: 19q13.2.
Variant type: single nucleotide variant.
Coding change: c.14643G>A on transcript NM_000540.3 (MANE Select); coding-DNA position 14643, G replaced by A.
Protein change: p.Met4881Ile; replaces methionine 4881 with isoleucine.
Molecular consequence: missense variant.
Genome position (GRCh38, 1-based): chr19:38,580,501, G>A. VCF-style: chr19-38580501-G-A. GRCh37 (hg19) VCF-style: chr19-39071141-G-A.
Other names: c.14628G>A, p.Met4876Ile (NM_001042723.2); short protein forms M4876I, M4881I.
Identifiers: ClinVar variation 3070323 (VCV003070323.3), dbSNP rs376677576, ClinGen allele CA405688159.